The following is an entry in ClinVar:

NM_004565.3(PEX14):c.30G>C (p.Pro10=)

Gene: PEX14 (peroxisomal biogenesis factor 14; plus strand). Cytogenetic location: 1p36.22.
Variant type: single nucleotide variant.
Coding change: c.30G>C on transcript NM_004565.3 (MANE Select); coding-DNA position 30, G replaced by C.
Protein change: p.Pro10=; no amino-acid change (proline 10 retained).
Molecular consequence: synonymous variant.
Genome position (GRCh38, 1-based): chr1:10,474,996, G>C. VCF-style: chr1-10474996-G-C. GRCh37 (hg19) VCF-style: chr1-10535053-G-C.
Other names: c.30G>C (NM_004565.2).
Identifiers: ClinVar variation 1111382 (VCV001111382.10), dbSNP rs1307415913, ClinGen allele CA415891572.

ClinVar aggregate classification (germline): Likely benign. Review status: criteria provided, single submitter (1 of 4 stars). 2 submissions from 2 submitters: Likely benign (1). 1 of the submissions does not count toward it. Last evaluated 2025-09-18.

Conditions:
Peroxisome biogenesis disorder, complementation group K (CGK). Identifiers: MedGen C1866257, MONDO:0800365.
PEX14-related disorder. Also called: PEX14-related condition.

Allele frequency attached by ClinVar (database versions not stated): gnomAD 0.00001; gnomAD exomes 0.00001; TOPMed 0.00001.
gnomAD v4.1: 10 of 1,610,080 alleles (0.00062%); highest among the groups gnomAD compares: Admixed American, 0.0067%; no homozygotes.

Submissions (2):

Labcorp Genetics (formerly Invitae), Labcorp
Classification: Likely benign for Peroxisome biogenesis disorder, complementation group K. Last evaluated: 2025-09-18. Review status: criteria provided, single submitter. Criteria: Invitae Variant Classification Sherloc (09022015). Collection method: clinical testing. Allele origin: germline.

PreventionGenetics, part of Exact Sciences
Classification: Likely benign for PEX14-related condition. Last evaluated: 2024-07-12. Review status: no assertion criteria provided. Collection method: clinical testing. Allele origin: germline. Not counted in ClinVar's aggregate classification.
Comment: This variant is classified as likely benign based on ACMG/AMP sequence variant interpretation guidelines (Richards et al. 2015 PMID: 25741868, with internal and published modifications).